The following is an entry in ClinVar:

ClinVar aggregate classification (germline): Pathogenic/Likely pathogenic. Review status: criteria provided, multiple submitters, no conflicts (2 of 4 stars). 2 submissions from 2 submitters: Pathogenic (1); Likely pathogenic (1). Last evaluated 2024-07-22.

Conditions:
Familial cancer of breast. Also called: Hereditary breast cancer; hereditary breast carcinoma; BREAST CANCER, FAMILIAL. Identifiers: Orphanet 227535, MedGen C0346153, MONDO:0016419, OMIM 114480. Disease mechanism: loss of function.

Submissions (2):

Labcorp Genetics (formerly Invitae), Labcorp
Classification: Pathogenic for Familial cancer of breast. Last evaluated: 2024-07-22. Review status: criteria provided, single submitter. Criteria: Invitae Variant Classification Sherloc (09022015). Collection method: clinical testing. Allele origin: germline.
Comment: This sequence change creates a premature translational stop signal (p.Ile248Lysfs*2) in the CHEK2 gene. It is expected to result in an absent or disrupted protein product. Loss-of-function variants in CHEK2 are known to be pathogenic (PMID: 21876083, 24713400). This variant is not present in population databases (gnomAD no frequency). This variant has not been reported in the literature in individuals affected with CHEK2-related conditions. ClinVar contains an entry for this variant (Variation ID: 545796). For these reasons, this variant has been classified as Pathogenic.

GeneDx
Classification: Likely pathogenic. Last evaluated: 2017-06-13. Review status: criteria provided, single submitter. Criteria: GeneDx Variant Classification (06012015). Collection method: clinical testing. Allele origin: germline. Affected: yes.
Comment: This duplication of eight nucleotides in CHEK2 is denoted c.735_742dupAGTAGCCA at the cDNA level and p.Ile248LysfsX2 (I248KfsX2) at the protein level. The normal sequence, with the bases that are duplicated in brackets, is AGAA[dupAGTAGCCA]TAAA. The duplication causes a frameshift which changes an Isoleucine to a Lysine at codon 248, and creates a premature stop codon at position 2 of the new reading frame. Although this variant has not, to our knowledge, been reported in the literature, it is predicted to cause loss of normal protein function through either protein truncation or nonsense-mediated mRNA decay. Based on the currently available information, we consider this duplication to be a likely pathogenic variant.

Literature cited by the submitters: PubMed 21876083 (cited by Labcorp Genetics (formerly Invitae), Labcorp); PubMed 24713400 (cited by Labcorp Genetics (formerly Invitae), Labcorp).

NM_007194.4(CHEK2):c.735_742dup (p.Ile248delinsLysTer)

Gene: CHEK2 (checkpoint kinase 2; minus strand). Cytogenetic location: 22q12.1.
Variant type: Duplication.
Coding change: c.735_742dup on transcript NM_007194.4 (MANE Select); coding-DNA positions 735 to 742, 8 bases duplicated (AGTAGCCA; older notation c.735_742dupAGTAGCCA).
Protein change: p.Ile248delinsLysTer.
Molecular consequence: nonsense. On other transcripts: frameshift variant (4).
Genome position (GRCh38, 1-based): chr22:28,711,959-28,711,966, TGGCTACT duplicated on the plus strand (AGTAGCCA on the coding strand, the reverse complement: CHEK2 is on the minus strand); duplicating any 8 consecutive bases within chr22:28,711,959-28,711,967 gives the same sequence; the c. name uses the placement nearest the transcript's 3' end. VCF-style (leftmost placement, unchanged base first): chr22-28711958-A-ATGGCTACT. GRCh37 (hg19) VCF-style: chr22-29107946-A-ATGGCTACT.
Other names: c.735_742dupAGTAGCCA (NM_007194.3); c.863_870dup, p.Ile291Lysfs (NM_001005735.3); c.71_78dup, p.Ile27Lysfs (NM_001257387.3); c.533_540dup, p.Ile181Lysfs (NM_001349956.3); c.734_741dup, p.Ile248Lysfs (NM_145862.3).
Identifiers: ClinVar variation 545796 (VCV000545796.4), dbSNP rs1555921143, ClinGen allele CA658824800.
Genomic context (GRCh38, chr22:28,711,958, plus strand): 5'-TTGGTACTTACTGCCTCTCTTGCTGAACCAATAGCAAACTTCCTTTTGCTGATGATCTTT[A>ATGGCTACT]TGGCTACTTTCTTACATGTTTTCCTCTCGAAAGCCAGCTTTACCTCTCCACAGGCACCAC-3'